The following is an entry in ClinVar:

NM_004592.4(SFSWAP):c.1233C>T (p.Thr411=)

Gene: SFSWAP (splicing factor SWAP; plus strand). Cytogenetic location: 12q24.33.
Variant type: single nucleotide variant.
Coding change: c.1233C>T on transcript NM_004592.4 (MANE Select); coding-DNA position 1233, C replaced by T.
Protein change: p.Thr411=; no amino-acid change (threonine 411 retained).
Molecular consequence: synonymous variant.
Genome position (GRCh38, 1-based): chr12:131,753,274, C>T. VCF-style: chr12-131753274-C-T. GRCh37 (hg19) VCF-style: chr12-132237819-C-T.
Other names: c.1233C>T, p.Thr411= (NM_001261411.2).
Identifiers: ClinVar variation 2643602 (VCV002643602.24), dbSNP rs377548952, ClinGen allele CA246099786.

ClinVar aggregate classification (germline): Likely benign (1 of 4 stars; one submission).

Allele frequency attached by ClinVar (database versions not stated): ESP Exome Variant Server 0.00008.
gnomAD v4.1: 45 of 1,613,592 alleles (0.0028%); highest among the groups gnomAD compares: Admixed American, 0.028%; no homozygotes.

Submission:

CeGaT Center for Human Genetics Tuebingen
Classification: Likely benign. Last evaluated: 2022-04-01. Review status: criteria provided, single submitter. Criteria: CeGaT Center For Human Genetics Tuebingen Variant Classification Criteria Version 2. Collection method: clinical testing. Allele origin: germline. Affected: yes. Observed: 1 variant allele.
Comment: SFSWAP: BP4, BP7